The following is an entry in ClinVar:

ClinVar aggregate classification (germline): Uncertain significance. Review status: criteria provided, multiple submitters, no conflicts (2 of 4 stars). 2 submissions from 2 submitters: Uncertain significance (2). Last evaluated 2025-06-12.

Conditions:
Cardiovascular phenotype. Identifiers: MedGen CN230736.
Arrhythmogenic right ventricular dysplasia 5. Also called: Arrhythmogenic Right Ventricular Dysplasia/Cardiomyopathy 5; ARRHYTHMOGENIC RIGHT VENTRICULAR DYSPLASIA, FAMILIAL, 5. Identifiers: MedGen C1858379, MONDO:0011459, OMIM 604400.

Allele frequency attached by ClinVar (database versions not stated): gnomAD exomes 0.00001.

Submissions (2):

Ambry Genetics
Classification: Uncertain significance for Cardiovascular phenotype. Last evaluated: 2025-06-12. Review status: criteria provided, single submitter. Criteria: Ambry Variant Classification Scheme 2023. Collection method: clinical testing. Allele origin: germline.
Comment: The c.1116_1129dup14 variant, located in coding exon 12 of the TMEM43 gene, results from a duplication of ACCCCTGTGGGCCC at nucleotide position 1116, causing a translational frameshift with a predicted alternate stop codon (p.L377Hfs*43). This alteration is expected to result in protein truncation or nonsense-mediated mRNA decay. However, loss of function of TMEM43 has not been established as a mechanism of disease. Since supporting evidence is limited at this time, the clinical significance of this alteration remains unclear.

All of Us Research Program, National Institutes of Health
Classification: Uncertain significance for Arrhythmogenic right ventricular dysplasia 5. Last evaluated: 2024-06-17. Review status: criteria provided, single submitter. Criteria: ACMG Guidelines, 2015. Collection method: clinical testing. Allele origin: germline. Inheritance: Autosomal dominant inheritance. Observed: 1 variant allele, 1 heterozygote.
Comment: This variant causes a duplication of 14 nucleotides in exon 12 of the TMEM43 gene, creating a frameshift and premature translation stop signal in the last exon. The mutant transcript is expected to escape nonsense-mediated decay and be expressed as a product containing altered C-terminal sequence. To our knowledge, this variant has not been reported in individuals affected with TMEM43-related disorders in the literature. This variant has not been identified in the general population by the Genome Aggregation Database (gnomAD). The available evidence is insufficient to determine the role of this variant in disease conclusively. Therefore, this variant is classified as a Variant of Uncertain Significance.

This study involves interpretation of variants in research participants for the purpose of population health screening. Participant phenotype was not available at the time of variant classification. Additional details can be found in publication PMID: 35346344, PMCID: PMC8962531

NM_024334.3(TMEM43):c.1116_1129dup (p.Leu377fs)

Gene: TMEM43 (transmembrane protein 43; plus strand). Cytogenetic location: 3p25.1.
Variant type: Duplication.
Coding change: c.1116_1129dup on transcript NM_024334.3 (MANE Select); coding-DNA positions 1116 to 1129, 14 bases duplicated (ACCCCTGTGGGCCC).
Protein change: p.Leu377fs; shifts the reading frame from leucine 377.
Molecular consequence: frameshift variant.
Genome position (GRCh38, 1-based): chr3:14,141,708-14,141,721, ACCCCTGTGGGCCC duplicated. VCF-style (leftmost placement, unchanged base first): chr3-14141707-G-GACCCCTGTGGGCCC. GRCh37 (hg19) VCF-style: chr3-14183207-G-GACCCCTGTGGGCCC.
Other names: c.1119_1132dup, p.Leu378fs (NM_001407274.1); c.1113_1126dup, p.Leu376fs (NM_001407275.1, NM_001407276.1); c.1110_1123dup, p.Leu375fs (NM_001407277.1); c.1101_1114dup, p.Leu372fs (NM_001407278.1); c.1041_1054dup, p.Leu352fs (NM_001407279.1); c.966_979dup, p.Leu327fs (NM_001407280.1); c.1116_1129dupACCCCTGTGGGCCC (NM_024334.2); short protein forms L327fs, L352fs, L375fs, L378fs, L372fs, L376fs, L377fs.
Identifiers: ClinVar variation 2451815 (VCV002451815.4), dbSNP rs2470201404, ClinGen allele CA2577516636.